The following is an entry in ClinVar:

NM_004329.3(BMPR1A):c.199T>C (p.Cys67Arg)

Gene: BMPR1A (bone morphogenetic protein receptor type 1A; plus strand). Cytogenetic location: 10q23.2.
Variant type: single nucleotide variant.
Coding change: c.199T>C on transcript NM_004329.3 (MANE Select); coding-DNA position 199, T replaced by C.
Protein change: p.Cys67Arg; replaces cysteine 67 with arginine.
Molecular consequence: missense variant.
Genome position (GRCh38, 1-based): chr10:86,890,193, T>C. VCF-style: chr10-86890193-T-C. GRCh37 (hg19) VCF-style: chr10-88649950-T-C.
Other names: c.199T>C, p.Cys67Arg (NM_001406559.1, NM_001406560.1, NM_001406561.1 and 23 more transcripts); c.115T>C, p.Cys39Arg (NM_001406584.1, NM_001406585.1, NM_001406586.1 and 2 more transcripts); short protein forms C39R, C67R.
Identifiers: ClinVar variation 1715440 (VCV001715440.6), dbSNP rs2539432749, ClinGen allele CA377447085.

ClinVar aggregate classification (germline): Uncertain significance (1 of 4 stars; one submission).

Conditions:
Juvenile polyposis syndrome (JPS). Identifiers: Orphanet 2929, MedGen C0345893, MONDO:0017380, OMIM 174900.

Submission:

Labcorp Genetics (formerly Invitae), Labcorp
Classification: Uncertain significance for Juvenile polyposis syndrome. Last evaluated: 2022-08-07. Review status: criteria provided, single submitter. Criteria: Invitae Variant Classification Sherloc (09022015). Collection method: clinical testing. Allele origin: germline.
Comment: This variant is not present in population databases (gnomAD no frequency). This variant has not been reported in the literature in individuals affected with BMPR1A-related conditions. Advanced modeling of protein sequence and biophysical properties (such as structural, functional, and spatial information, amino acid conservation, physicochemical variation, residue mobility, and thermodynamic stability) performed at Invitae indicates that this missense variant is expected to disrupt BMPR1A protein function. In summary, the available evidence is currently insufficient to determine the role of this variant in disease. Therefore, it has been classified as a Variant of Uncertain Significance. This sequence change replaces cysteine, which is neutral and slightly polar, with arginine, which is basic and polar, at codon 67 of the BMPR1A protein (p.Cys67Arg).